The following is an entry in ClinVar:

ClinVar aggregate classification (germline): Likely pathogenic (1 of 4 stars; one submission).

Conditions:
Retinitis pigmentosa 2 (RP2). Also called: Retinitis pigmentosa 2, X linked. Identifiers: Orphanet 791, MedGen C2681923, MONDO:0010723, OMIM 312600.

Submission:

SingHealth Duke-NUS Institute of Precision Medicine
Classification: Likely pathogenic for Retinitis pigmentosa 2. Last evaluated: 2025-02-05. Review status: criteria provided, single submitter. Criteria: PRISM ACMG Classification Criteria. Collection method: clinical testing. Allele origin: germline. Affected: yes.
Comment: Variant is predicted to cause nonsense-mediated decay in a gene where LOF is a known cause of pathogenicity (PVS1). Variant is not found in gnomAD genomes and exomes (PM2).

NM_006915.3(RP2):c.599del (p.Pro200fs)

Gene: RP2 (RP2 activator of ARL3 GTPase; plus strand). Cytogenetic location: Xp11.3.
Variant type: Deletion.
Coding change: c.599del on transcript NM_006915.3 (MANE Select); coding-DNA position 599, one base deleted (C; older notation c.599delC).
Protein change: p.Pro200fs; shifts the reading frame from proline 200.
Molecular consequence: frameshift variant.
Genome position (GRCh38, 1-based): chrX:46,853,972, C deleted; the last of 2 consecutive C bases (chrX:46,853,971-46,853,972); deleting either gives the same sequence. VCF-style (leftmost placement, unchanged base first): chrX-46853970-TC-T. GRCh37 (hg19) VCF-style: chrX-46713405-TC-T.
Other names: short protein forms P200fs.
Identifiers: ClinVar variation 3767343 (VCV003767343.1).